The following is an entry in ClinVar:

NM_001271938.2(MEGF8):c.6693_6694del (p.Val2233fs)

Gene: MEGF8 (multiple EGF like domains 8; plus strand). Cytogenetic location: 19q13.2.
Variant type: Deletion.
Coding change: c.6693_6694del on transcript NM_001271938.2 (MANE Select); coding-DNA positions 6693 to 6694, 2 bases deleted (AT; older notation c.6693_6694delAT).
Protein change: p.Val2233fs; shifts the reading frame from valine 2233.
Molecular consequence: frameshift variant.
Genome position (GRCh38, 1-based): chr19:42,369,582-42,369,583, AT deleted. VCF-style (leftmost placement, unchanged base first): chr19-42369581-CAT-C. GRCh37 (hg19) VCF-style: chr19-42873733-CAT-C.
Other names: c.6492_6493del, p.Val2166fs (NM_001410.3); short protein forms V2166fs, V2233fs.
Identifiers: ClinVar variation 4056618 (VCV004056618.3).
Genomic context (GRCh38, chr19:42,369,581, plus strand): 5'-GCCCCTGCAGCATGACAGGGCTGTGCCGCCCTGTGTGCGCCCAGGGCTGCGTGAACGGCT[CAT>C]GTGTGGAGCCCGACCACTGCCGCTGCCACTTTGGCTTTGTGGGCCGCAACTGCTCCACGG-3'

ClinVar aggregate classification (germline): Likely pathogenic. Review status: criteria provided, multiple submitters, no conflicts (2 of 4 stars). 2 submissions from 2 submitters: Likely pathogenic (2). Last evaluated 2026-02-18.

Conditions:
MEGF8-related Carpenter syndrome. Also called: Carpenter syndrome 2. Identifiers: Orphanet 65759, MedGen C3554247, MONDO:0013998, OMIM 614976.

Submissions (2):

Dasa
Classification: Likely pathogenic. Last evaluated: 2026-02-18. Review status: criteria provided, single submitter. Criteria: DASA Assertion Criteria. Collection method: clinical testing. Allele origin: germline.
Comment: NM_001271938.2(MEGF8):c.6693_6694del (p.Val2233Glyfs*27) is a frameshift variant in MEGF8 predicted to alter the reading frame and introduce a premature termination codon and is predicted to result in an absent or altered protein product. Loss of function is an established disease mechanism for MEGF8-associated disorders. Also, this variant is rare in population databases. Based on the currently available evidence, this variant is classified as likely pathogenic.

Laboratorio de Genetica e Diagnostico Molecular, Hospital Israelita Albert Einstein
Classification: Likely pathogenic for MEGF8-related Carpenter syndrome. Last evaluated: 2024-03-08. Review status: criteria provided, single submitter. Criteria: ACMG Guidelines, 2015. Collection method: clinical testing. Allele origin: germline. Affected: yes.
Comment: ACMG classification criteria: PVS1 very strong, PM2 supporting